The following is an entry in ClinVar:

NM_001318852.2(MAPK8IP3):c.1249A>G (p.Met417Val)

Gene: MAPK8IP3 (mitogen-activated protein kinase 8 interacting protein 3; plus strand). Cytogenetic location: 16p13.3.
Variant type: single nucleotide variant.
Coding change: c.1249A>G on transcript NM_001318852.2 (MANE Select); coding-DNA position 1249, A replaced by G.
Protein change: p.Met417Val; replaces methionine 417 with valine.
Molecular consequence: missense variant.
Genome position (GRCh38, 1-based): chr16:1,759,960, A>G. VCF-style: chr16-1759960-A-G. GRCh37 (hg19) VCF-style: chr16-1809961-A-G.
Other names: c.1228A>G, p.Met410Val (NM_001040439.2); c.1246A>G, p.Met416Val (NM_015133.5); short protein forms M410V, M416V, M417V.
Identifiers: ClinVar variation 985618 (VCV000985618.4), dbSNP rs2041840750, ClinGen allele CA394231012.
Genomic context (GRCh38, chr16:1,759,960, plus strand): 5'-CGGCATCAGTGACCTGTTTTGAAGGGCACAGGTGAAACCTCCGCACCTTCTGTTTCAGGA[A>G]TGGGCAAAGAAGTGGGGAATCTGCTACTGGAAAACTCACAGCTTCTGGAAACCAAGTAAG-3'
Protein context (NP_001305781.1, residues 407-427): EFSVRDDFFG[Met417Val]GKEVGNLLLE

ClinVar aggregate classification (germline): Uncertain significance (1 of 4 stars; one submission).

Conditions:
Inborn genetic diseases. Identifiers: MedGen C0950123, MeSH D030342.

Allele frequency attached by ClinVar (database versions not stated): gnomAD exomes below 0.00001.
gnomAD v4.1: 2 of 1,614,138 alleles (0.00012%); highest among the groups gnomAD compares: Non-Finnish European, 0.000085%; no homozygotes.

Submission:

Ambry Genetics
Classification: Uncertain significance for Inborn genetic diseases. Last evaluated: 2020-05-20. Review status: criteria provided, single submitter. Criteria: Ambry Variant Classification Scheme 2023. Collection method: clinical testing. Allele origin: germline.
Comment: The alteration results in an amino acid change:_x000D_ _x000D_ The c.1246A>G (p.M416V) alteration is located in coding exon 11 of the MAPK8IP3 gene. This alteration results from an A to G substitution at nucleotide position 1246, causing the methionine (M) at amino acid position 416 to be replaced by a valine (V). The alteration is not observed in population databases:_x000D_ _x000D_ Based on data from the Genome Aggregation Database (gnomAD), the MAPK8IP3 c.1246A>G alteration was not observed, with coverage at this position. The altered amino acid is conserved throughout evolution:_x000D_ _x000D_ The p.M416 amino acid is conserved in available vertebrate species. The alteration is predicted tolerated by in silico modeling:_x000D_ _x000D_ The p.M416V alteration is predicted to be tolerated by in silico analysis. Based on insufficient or conflicting evidence, the clinical significance of this alteration remains unclear.